The following is an entry in ClinVar:

NM_004484.4(GPC3):c.914A>C (p.Glu305Ala)

Gene: GPC3 (glypican 3; minus strand). Cytogenetic location: Xq26.2.
Variant type: single nucleotide variant.
Coding change: c.914A>C on transcript NM_004484.4 (MANE Select); coding-DNA position 914, A replaced by C.
Protein change: p.Glu305Ala; replaces glutamic acid 305 with alanine.
Molecular consequence: missense variant.
Genome position (GRCh38, 1-based): chrX:133,753,600, T>G on the plus strand (A>C on the coding strand, the complement: GPC3 is on the minus strand). VCF-style: chrX-133753600-T-G. GRCh37 (hg19) VCF-style: chrX-132887627-T-G.
Other names: c.914A>C, p.Glu305Ala (NM_001164617.2); c.866A>C, p.Glu289Ala (NM_001164618.2); c.752A>C, p.Glu251Ala (NM_001164619.2); short protein forms E251A, E289A, E305A.
Identifiers: ClinVar variation 2156016 (VCV002156016.4), dbSNP rs778646418, ClinGen allele CA10520779.
Genomic context (GRCh38, chrX:133,753,600, plus strand): 5'-GAAAAGAGACCAAGCAGTACGTTCTCCATGTCATAGATTCTGTACATGCCATTCACAAGT[T>G]CTTCAAGGGACAGAATGTATTCTCTCCAGTACTTGTCAATCTCCACCACACCTGCCATAC-3'
Protein context (NP_004475.1, residues 295-315): YWREYILSLE[Glu305Ala]LVNGMYRIYD

ClinVar aggregate classification (germline): Uncertain significance (1 of 4 stars; one submission).

Conditions:
Wilms tumor 1 (WT1). Also called: Wilms tumor, somatic. Identifiers: Orphanet 654, MedGen CN033288, MONDO:0008679, OMIM 194070.

Allele frequency attached by ClinVar (database versions not stated): ExAC 0.00001.

Submission:

Labcorp Genetics (formerly Invitae), Labcorp
Classification: Uncertain significance for Wilms tumor 1. Last evaluated: 2023-03-22. Review status: criteria provided, single submitter. Criteria: Invitae Variant Classification Sherloc (09022015). Collection method: clinical testing. Allele origin: germline.
Comment: Advanced modeling of protein sequence and biophysical properties (such as structural, functional, and spatial information, amino acid conservation, physicochemical variation, residue mobility, and thermodynamic stability) performed at Invitae indicates that this missense variant is not expected to disrupt GPC3 protein function. In summary, the available evidence is currently insufficient to determine the role of this variant in disease. Therefore, it has been classified as a Variant of Uncertain Significance. ClinVar contains an entry for this variant (Variation ID: 2156016). This variant has not been reported in the literature in individuals affected with GPC3-related conditions. This variant is present in population databases (rs778646418, gnomAD 0.008%). This sequence change replaces glutamic acid, which is acidic and polar, with alanine, which is neutral and non-polar, at codon 305 of the GPC3 protein (p.Glu305Ala).